The following is an entry in ClinVar:

ClinVar aggregate classification (germline): Pathogenic (1 of 4 stars; one submission).

Submission:

Labcorp Genetics (formerly Invitae), Labcorp
Classification: Pathogenic. Last evaluated: 2023-04-19. Review status: criteria provided, single submitter. Criteria: Invitae Variant Classification Sherloc (09022015). Collection method: clinical testing. Allele origin: germline.
Comment: For these reasons, this variant has been classified as Pathogenic. This variant has not been reported in the literature in individuals affected with ADAMTS17-related conditions. This variant is not present in population databases (gnomAD no frequency). This sequence change creates a premature translational stop signal (p.Asp920Glyfs*10) in the ADAMTS17 gene. It is expected to result in an absent or disrupted protein product. Loss-of-function variants in ADAMTS17 are known to be pathogenic (PMID: 19836009, 24940034).

Literature cited by the submitters: PubMed 19836009; PubMed 24940034.

NM_139057.4(ADAMTS17):c.2758dup (p.Asp920fs)

Gene: ADAMTS17 (ADAM metallopeptidase with thrombospondin type 1 motif 17; minus strand). Cytogenetic location: 15q26.3.
Variant type: Duplication.
Coding change: c.2758dup on transcript NM_139057.4 (MANE Select); coding-DNA position 2758, one base duplicated (G; older notation c.2758dupG).
Protein change: p.Asp920fs; shifts the reading frame from aspartic acid 920.
Molecular consequence: frameshift variant.
Genome position (GRCh38, 1-based): chr15:99,997,423, C duplicated on the plus strand (G on the coding strand, the reverse complement: ADAMTS17 is on the minus strand); the first of 2 consecutive C bases (chr15:99,997,423-99,997,424); duplicating either gives the same sequence. VCF-style (leftmost placement, unchanged base first): chr15-99997422-T-TC. GRCh37 (hg19) VCF-style: chr15-100537627-T-TC.
Other names: short protein forms D920fs.
Identifiers: ClinVar variation 2834258 (VCV002834258.3), dbSNP rs2548003441, ClinGen allele CA2739269782.